The following is an entry in ClinVar:

NM_000258.3(MYL3):c.184G>T (p.Asp62Tyr)

Gene: MYL3 (myosin light chain 3; minus strand). Cytogenetic location: 3p21.31.
Variant type: single nucleotide variant.
Coding change: c.184G>T on transcript NM_000258.3 (MANE Select); coding-DNA position 184, G replaced by T.
Protein change: p.Asp62Tyr; replaces aspartic acid 62 with tyrosine.
Molecular consequence: missense variant.
Genome position (GRCh38, 1-based): chr3:46,860,799, C>A on the plus strand (G>T on the coding strand, the complement: MYL3 is on the minus strand). VCF-style: chr3-46860799-C-A. GRCh37 (hg19) VCF-style: chr3-46902289-C-A.
Other names: c.184G>T, p.Asp62Tyr (NM_001406937.1, NM_001406938.1, NM_001406939.1); c.10G>T, p.Asp4Tyr (NM_001406940.1, NM_001406941.1); short protein forms D62Y, D4Y.
Identifiers: ClinVar variation 4088141 (VCV004088141.1).
Genomic context (GRCh38, chr3:46,860,799, plus strand): 5'-CCCGCAGGACATCCCCACACTGCCCGTAGGTGATCTTCATCTCACACTTGGGTGTGCGGT[C>A]GAACAGCATGAAGGCTTCCTTGAACTCTGCCAGGAGAGGGCAGTGAGCCACAGACACTCC-3'
Protein context (NP_000249.1, residues 52-72): EEFKEAFMLF[Asp62Tyr]RTPKCEMKIT

ClinVar aggregate classification (germline): Uncertain significance (1 of 4 stars; one submission).

gnomAD v4.1: 3 of 1,614,064 alleles (0.00019%); highest among the groups gnomAD compares: South Asian, 0.0022%; no homozygotes.

Submission:

GeneDx
Classification: Uncertain significance. Last evaluated: 2025-03-27. Review status: criteria provided, single submitter. Criteria: GeneDx Variant Classification Process June 2021. Collection method: clinical testing. Allele origin: germline. Affected: yes.
Comment: Has not been previously published as pathogenic or benign to our knowledge; Not observed at significant frequency in large population cohorts (gnomAD); In silico analysis supports that this missense variant has a deleterious effect on protein structure/function